The following is an entry in ClinVar:

NM_001202.6(BMP4):c.673A>G (p.Thr225Ala)

Gene: BMP4 (bone morphogenetic protein 4; minus strand). Cytogenetic location: 14q22.2.
Variant type: single nucleotide variant.
Coding change: c.673A>G on transcript NM_001202.6 (MANE Select); coding-DNA position 673, A replaced by G.
Protein change: p.Thr225Ala; replaces threonine 225 with alanine.
Molecular consequence: missense variant.
Genome position (GRCh38, 1-based): chr14:53,950,586, T>C on the plus strand (A>G on the coding strand, the complement: BMP4 is on the minus strand). VCF-style: chr14-53950586-T-C. GRCh37 (hg19) VCF-style: chr14-54417304-T-C.
Other names: c.814A>G, p.Thr272Ala (NM_001347912.1); c.484A>G, p.Thr162Ala (NM_001347913.2, NM_001347915.2, NM_001347917.1); c.673A>G, p.Thr225Ala (NM_001347914.2, NM_001347916.1, NM_130850.5 and 1 more transcripts); short protein forms T272A, T162A, T225A.
Identifiers: ClinVar variation 882740 (VCV000882740.32), dbSNP rs144556455, ClinGen allele CA7191694.
Genomic context (GRCh38, chr14:53,950,586, plus strand): 5'-GAGTCTGATGGAGGTGAGTCACCTCAATGGCTAGCCCATAGTTTGGCTGCTTCTCCCGGG[T>C]CCAGCGAAGGACCGCAGGGCTCACATCAAAAGTTTCCCACCGTGTCACATTGTGGTGGAC-3'
Protein context (NP_001193.2, residues 215-235): FDVSPAVLRW[Thr225Ala]REKQPNYGLA

ClinVar aggregate classification (germline): Conflicting classifications of pathogenicity. Review status: criteria provided, conflicting classifications (1 of 4 stars). 4 submissions from 4 submitters: Uncertain significance (2); Benign (1); Likely benign (1). Last evaluated 2025-06-29.

Conditions:
Microphthalmia with brain and digit anomalies (MCOPS6). Also called: MICROPHTHALMIA AND PITUITARY ANOMALIES; Microphthalmia, syndromic 6. Identifiers: Orphanet 139471, MedGen C1864689, MONDO:0011936, OMIM 607932.
Orofacial cleft 11 (OFC11). Also called: Orofacial cleft 11; ofc11; CLEFT LIP WITH OR WITHOUT CLEFT PALATE, NONSYNDROMIC, 11. Identifiers: MedGen C2677434, MONDO:0010906, OMIM 600625.

Allele frequency attached by ClinVar (database versions not stated): TOPMed 0.00009; gnomAD 0.00014 and 0.00015; ESP Exome Variant Server 0.00015.
gnomAD v4.1: 158 of 1,614,048 alleles (0.0098%); highest among the groups gnomAD compares: Middle Eastern, 0.033%; no homozygotes.

Submissions (4):

Labcorp Genetics (formerly Invitae), Labcorp
Classification: Uncertain significance for Microphthalmia with brain and digit anomalies; Orofacial cleft 11. Last evaluated: 2025-06-29. Review status: criteria provided, single submitter. Criteria: Invitae Variant Classification Sherloc (09022015). Collection method: clinical testing. Allele origin: germline.
Comment: This sequence change replaces threonine, which is neutral and polar, with alanine, which is neutral and non-polar, at codon 225 of the BMP4 protein (p.Thr225Ala). This variant is present in population databases (rs144556455, gnomAD 0.02%). This variant has not been reported in the literature in individuals affected with BMP4-related conditions. ClinVar contains an entry for this variant (Variation ID: 882740). Invitae Evidence Modeling of protein sequence and biophysical properties (such as structural, functional, and spatial information, amino acid conservation, physicochemical variation, residue mobility, and thermodynamic stability) indicates that this missense variant is not expected to disrupt BMP4 protein function with a negative predictive value of 80%. In summary, the available evidence is currently insufficient to determine the role of this variant in disease. Therefore, it has been classified as a Variant of Uncertain Significance.

CeGaT Center for Human Genetics Tuebingen
Classification: Likely benign. Last evaluated: 2025-01-01. Review status: criteria provided, single submitter. Criteria: CeGaT Center For Human Genetics Tuebingen Variant Classification Criteria Version 2. Collection method: clinical testing. Allele origin: germline. Affected: yes. Observed: 2 variant alleles.
Comment: BMP4: BP4, BS1

Fulgent Genetics
Classification: Uncertain significance for Orofacial cleft 11; Microphthalmia with brain and digit anomalies. Last evaluated: 2024-02-08. Review status: criteria provided, single submitter. Criteria: ACMG Guidelines, 2015. Collection method: clinical testing. Allele origin: germline.

Illumina Laboratory Services, Illumina
Classification: Benign for Microphthalmia with brain and digit anomalies. Last evaluated: 2017-08-07. Review status: criteria provided, single submitter. Criteria: ICSL Variant Classification Criteria 13 December 2019. Collection method: clinical testing. Allele origin: germline.
Comment: This variant was observed as part of a predisposition screen in an ostensibly healthy population. A literature search was performed for the gene, cDNA change, and amino acid change (where applicable). Publications were found based on this search. The evidence from the literature, in combination with allele frequency data from public databases where available, was sufficient to rule this variant out of causing disease. Therefore, this variant is classified as benign.

Literature cited by the submitters: PubMed 12404109 (cited by Illumina Laboratory Services, Illumina); PubMed 20949628 (cited by Illumina Laboratory Services, Illumina).